The following is an entry in ClinVar:

ClinVar aggregate classification (germline): Uncertain significance. Review status: criteria provided, multiple submitters, no conflicts (2 of 4 stars). 2 submissions from 2 submitters: Uncertain significance (2). Last evaluated 2025-09-21.

Conditions:
ASXL3-related disorder. Also called: ASXL3-related condition. Identifiers: MedGen CN381524.
Inborn genetic diseases. Identifiers: MedGen C0950123, MeSH D030342.

Allele frequency attached by ClinVar (database versions not stated): ExAC 0.00003.
gnomAD v4.1: 18 of 1,608,452 alleles (0.0011%); highest among the groups gnomAD compares: South Asian, 0.0055%; 1 homozygote.

Submissions (2):

Ambry Genetics
Classification: Uncertain significance for Inborn genetic diseases. Last evaluated: 2025-09-21. Review status: criteria provided, single submitter. Criteria: Ambry Variant Classification Scheme 2023. Collection method: clinical testing. Allele origin: germline.

PreventionGenetics, part of Exact Sciences
Classification: Uncertain significance for ASXL3-related condition. Last evaluated: 2022-12-20. Review status: criteria provided, single submitter. Criteria: ACMG Guidelines, 2015. Collection method: clinical testing. Allele origin: germline.
Comment: The ASXL3 c.6056C>T variant is predicted to result in the amino acid substitution p.Pro2019Leu. To our knowledge, this variant has not been reported in the literature. This variant is reported in 0.00095% of alleles in individuals of European (Non-Finnish) descent in gnomAD. At this time, the clinical significance of this variant is uncertain due to the absence of conclusive functional and genetic evidence.

NM_030632.3(ASXL3):c.6056C>T (p.Pro2019Leu)

Gene: ASXL3 (ASXL transcriptional regulator 3; plus strand). Cytogenetic location: 18q12.1.
Variant type: single nucleotide variant.
Coding change: c.6056C>T on transcript NM_030632.3 (MANE Select); coding-DNA position 6056, C replaced by T.
Protein change: p.Pro2019Leu; replaces proline 2019 with leucine.
Molecular consequence: missense variant.
Genome position (GRCh38, 1-based): chr18:33,745,904, C>T. VCF-style: chr18-33745904-C-T. GRCh37 (hg19) VCF-style: chr18-31325868-C-T.
Other names: c.6056C>T (NM_030632.1); short protein forms P2019L.
Identifiers: ClinVar variation 2634786 (VCV002634786.2), dbSNP rs777742703, ClinGen allele CA8934531.
Genomic context (GRCh38, chr18:33,745,904, plus strand): 5'-GTGATGAGGTGGGAGGCACTGCACACACAATGCCAAACAAAGCACTAGTACATCCGCCGC[C>T]GCCACCGCCTCCCCCTCCCCCTCCACCCTTGGCTTTGCCCCCGCCTCCCCCCCCACCACC-3'
Protein context (NP_085135.1, residues 2009-2029): MPNKALVHPP[Pro2019Leu]PPPPPPPPPL